The following is an entry in ClinVar:

NM_033380.3(COL4A5):c.2287G>C (p.Gly763Arg)

Gene: COL4A5 (collagen type IV alpha 5 chain; plus strand). Cytogenetic location: Xq22.3.
Variant type: single nucleotide variant.
Coding change: c.2287G>C on transcript NM_033380.3 (MANE Select); coding-DNA position 2287, G replaced by C.
Protein change: p.Gly763Arg; replaces glycine 763 with arginine.
Molecular consequence: missense variant.
Genome position (GRCh38, 1-based): chrX:108,606,784, G>C. VCF-style: chrX-108606784-G-C. GRCh37 (hg19) VCF-style: chrX-107850014-G-C.
Other names: c.2287G>C, p.Gly763Arg (NM_000495.5); short protein forms G763R.
Identifiers: ClinVar variation 2845836 (VCV002845836.3), dbSNP rs104886171, ClinGen allele CA413848810.
Genomic context (GRCh38, chrX:108,606,784, plus strand): 5'-GTCATGTGTATGCTCAAGGGTGAACCAGGATTTGCATTACCTGGGCCACCTGGGCCACCA[G>C]GACTTCCAGGTTTCAAAGGAGCACTTGGTCCAAAAGGTGATCGTGGTTTCCCAGGACCTC-3'
Protein context (NP_203699.1, residues 753-773): FALPGPPGPP[Gly763Arg]LPGFKGALGP

ClinVar aggregate classification (germline): Likely pathogenic (1 of 4 stars; one submission).

Submission:

Labcorp Genetics (formerly Invitae), Labcorp
Classification: Likely pathogenic. Last evaluated: 2023-03-14. Review status: criteria provided, single submitter. Criteria: Invitae Variant Classification Sherloc (09022015). Collection method: clinical testing. Allele origin: germline.
Comment: This variant disrupts the p.Gly763 amino acid residue in COL4A5. Other variant(s) that disrupt this residue have been observed in individuals with COL4A5-related conditions (PMID: 24304881, 30577881), which suggests that this may be a clinically significant amino acid residue. This variant disrupts the triple helix domain of COL4A5. Glycine residues within the Gly-Xaa-Yaa repeats of the triple helix domain are required for the structure and stability of fibrillar collagens (PMID: 7695699, 8218237, 19344236). In COL4A5, missense variants at these glycine residues are significantly enriched in individuals with disease (PMID: 23720012, 27627812) compared to the general population (ExAC). Advanced modeling of protein sequence and biophysical properties (such as structural, functional, and spatial information, amino acid conservation, physicochemical variation, residue mobility, and thermodynamic stability) performed at Invitae indicates that this missense variant is expected to disrupt COL4A5 protein function. This missense change has been observed in individual(s) with X-linked Alport syndrome (PMID: 30577881). This variant is not present in population databases (gnomAD no frequency). This sequence change replaces glycine, which is neutral and non-polar, with arginine, which is basic and polar, at codon 763 of the COL4A5 protein (p.Gly763Arg). In summary, the currently available evidence indicates that the variant is pathogenic, but additional data are needed to prove that conclusively. Therefore, this variant has been classified as Likely Pathogenic.

Literature cited by the submitters: PubMed 24304881; PubMed 30577881; PubMed 7695699; PubMed 8218237; PubMed 19344236; PubMed 23720012; PubMed 27627812.